The following is an entry in ClinVar:

ClinVar aggregate classification (germline): Likely benign. Review status: criteria provided, multiple submitters, no conflicts (2 of 4 stars). 2 submissions from 2 submitters: Likely benign (2). Last evaluated 2025-02-01.

Conditions:
Hereditary cancer-predisposing syndrome. Also called: Hereditary neoplastic syndrome; Neoplastic Syndromes, Hereditary; Tumor predisposition; Hereditary Cancer Syndrome. Identifiers: Orphanet 140162, MedGen C0027672, MeSH D009386, MONDO:0015356.

Submissions (2):

CeGaT Center for Human Genetics Tuebingen
Classification: Likely benign. Last evaluated: 2025-02-01. Review status: criteria provided, single submitter. Criteria: CeGaT Center For Human Genetics Tuebingen Variant Classification Criteria Version 2. Collection method: clinical testing. Allele origin: germline. Affected: yes. Observed: 1 variant allele.
Comment: APC: PM2:Supporting, BP4, BP7

Ambry Genetics
Classification: Likely benign for Hereditary cancer-predisposing syndrome. Last evaluated: 2020-07-14. Review status: criteria provided, single submitter. Criteria: Ambry Variant Classification Scheme 2023. Collection method: clinical testing. Allele origin: germline.

NM_000038.6(APC):c.8016A>C (p.Gly2672=)

Gene: APC (APC regulator of Wnt signaling pathway; plus strand). Cytogenetic location: 5q22.2.
Variant type: single nucleotide variant.
Coding change: c.8016A>C on transcript NM_000038.6 (MANE Select); coding-DNA position 8016, A replaced by C.
Protein change: p.Gly2672=; no amino-acid change (glycine 2672 retained).
Molecular consequence: synonymous variant. On other transcripts: non-coding transcript variant (2).
Genome position (GRCh38, 1-based): chr5:112,843,610, A>C. VCF-style: chr5-112843610-A-C. GRCh37 (hg19) VCF-style: chr5-112179307-A-C.
Other names: c.8016A>C, p.Gly2672= (NM_001127510.3, NM_001354895.2, NM_001407450.1); c.7962A>C, p.Gly2654= (NM_001127511.3); c.8070A>C, p.Gly2690= (NM_001354896.2, NM_001407447.1, NM_001407448.1 and 1 more transcripts); c.8046A>C, p.Gly2682= (NM_001354897.2); c.7941A>C, p.Gly2647= (NM_001354898.2); c.7932A>C, p.Gly2644= (NM_001354899.2); c.7893A>C, p.Gly2631= (NM_001354900.2); c.7839A>C, p.Gly2613= (NM_001354901.2, NM_001407453.1); and 11 more.
Identifiers: ClinVar variation 1761662 (VCV001761662.15), dbSNP rs2149997955, ClinGen allele CA446211017.